The following is an entry in ClinVar:

NM_152703.5(SAMD9L):c.2528G>A (p.Arg843Gln)

Gene: SAMD9L (sterile alpha motif domain containing 9 like; minus strand). Cytogenetic location: 7q21.2.
Variant type: single nucleotide variant.
Coding change: c.2528G>A on transcript NM_152703.5 (MANE Select); coding-DNA position 2528, G replaced by A.
Protein change: p.Arg843Gln; replaces arginine 843 with glutamine.
Molecular consequence: missense variant.
Genome position (GRCh38, 1-based): chr7:93,133,444, C>T on the plus strand (G>A on the coding strand, the complement: SAMD9L is on the minus strand). VCF-style: chr7-93133444-C-T. GRCh37 (hg19) VCF-style: chr7-92762757-C-T.
Other names: c.2528G>A (NM_152703.3, NM_152703.2); c.2528G>A, p.Arg843Gln (NM_001303496.3, NM_001303497.3, NM_001303498.3 and 5 more transcripts); short protein forms R843Q.
Identifiers: ClinVar variation 1049620 (VCV001049620.18), dbSNP rs200160724, ClinGen allele CA4343570.
Genomic context (GRCh38, chr7:93,133,444, plus strand): 5'-GAAGAAAGTTGGTAATTTAGTGCAATACTGTCTGCCAATTTTGCACTTTCATCTGGATTC[C>T]GGGATCTCATGCAGTTTAAGATAATTACCAATGTTTTTTCATATCGCAAATCCTTTTCTG-3'
Protein context (NP_689916.2, residues 833-853): LVIILNCMRS[Arg843Gln]NPDESAKLAD

ClinVar aggregate classification (germline): Conflicting classifications of pathogenicity. Review status: criteria provided, conflicting classifications (1 of 4 stars). 8 submissions from 8 submitters: Uncertain significance (6); Likely benign (1). 1 of the submissions does not count toward it. Last evaluated 2026-01-23.

Conditions:
Monosomy 7 myelodysplasia and leukemia syndrome 1. Also called: CHROMOSOME 7q DELETION; Familial Mosaic Monosomy 7 Syndrome; Monosomy 7 of bone marrow. Identifiers: MedGen C1854978, MONDO:0009646, OMIM 252270.
Spinocerebellar ataxia 49 (SCA49). Identifiers: Orphanet 631106, MedGen C5676950, MONDO:0030805, OMIM 619806.
Ataxia-pancytopenia syndrome (ATXPC). Also called: SAMD9L-Related Syndrome; SAMD9L Ataxia-Pancytopenia Syndrome. Identifiers: Orphanet 2585, MedGen C1327919, MONDO:0008038, OMIM 159550.
SAMD9L-related disorder. Also called: SAMD9L-related disorders; SAMD9L-related condition.
Inborn genetic diseases. Identifiers: MedGen C0950123, MeSH D030342.

Allele frequency attached by ClinVar (database versions not stated): ExAC 0.00007; gnomAD 0.00007 and 0.00010; gnomAD exomes 0.00007 and 0.00022; TOPMed 0.00010.
gnomAD v4.1: 333 of 1,612,942 alleles (0.021%); highest among the groups gnomAD compares: Non-Finnish European, 0.026%; 1 homozygote.

Submissions (8):

PreventionGenetics, part of Exact Sciences
Classification: Uncertain significance for SAMD9L-related condition. Last evaluated: 2026-01-23. Review status: criteria provided, single submitter. Criteria: ACMG Guidelines, 2015. Collection method: clinical testing. Allele origin: germline.
Comment: The SAMD9L c.2528G>A variant is predicted to result in the amino acid substitution p.Arg843Gln. To our knowledge, this variant has not been reported in the literature. This variant is reported in 0.012% of alleles in individuals of African descent in gnomAD, which may be too common to be an undocumented primary cause of disease. This variant has been classified as likely benign or uncertain in the ClinVar database. Although we suspect that this variant may be benign, at this time, the clinical significance of this variant is uncertain due to the absence of conclusive functional and genetic evidence.

Labcorp Genetics (formerly Invitae), Labcorp
Classification: Uncertain significance. Last evaluated: 2025-12-30. Review status: criteria provided, single submitter. Criteria: Invitae Variant Classification Sherloc (09022015). Collection method: clinical testing. Allele origin: germline.
Comment: This sequence change replaces arginine, which is basic and polar, with glutamine, which is neutral and polar, at codon 843 of the SAMD9L protein (p.Arg843Gln). This variant is present in population databases (rs200160724, gnomAD 0.01%). This variant has not been reported in the literature in individuals affected with SAMD9L-related conditions. ClinVar contains an entry for this variant (Variation ID: 1049620). An algorithm developed to predict the effect of missense changes on protein structure and function outputs the following: PolyPhen-2: "Not Available". The glutamine amino acid residue is found in multiple mammalian species, which suggests that this missense change does not adversely affect protein function. In summary, the available evidence is currently insufficient to determine the role of this variant in disease. Therefore, it has been classified as a Variant of Uncertain Significance.

Ambry Genetics
Classification: Likely benign for Inborn genetic diseases. Last evaluated: 2025-07-31. Review status: criteria provided, single submitter. Criteria: Ambry Variant Classification Scheme 2023. Collection method: clinical testing. Allele origin: germline.

St. Jude Molecular Pathology, St. Jude Children's Research Hospital
Classification: Uncertain significance for Ataxia-pancytopenia syndrome. Last evaluated: 2024-08-30. Review status: criteria provided, single submitter. Criteria: St. Jude Assertion Criteria 2020. Collection method: clinical testing. Allele origin: germline.
Comment: The SAMD9L c.2528G>A (p.Arg843Gln) missense variant has a maximum subpopulation frequency of 0.012% in gnomAD v2.1.1. The in silico tool REVEL predicts a benign effect on protein function, but to our knowledge this prediction has not been confirmed by functional studies. However, in silico predictions have not been found to correlate with syndromic risk and are thus not considered supporting evidence of a pathogenic or benign effect (PMID: 34621053). To our knowledge, this variant has not been reported in individuals with SAMD9L-associated conditions. In summary, the evidence currently available is insufficient to determine the clinical significance of this variant. It has therefore been classified as of uncertain significance.

Fulgent Genetics
Classification: Uncertain significance for Ataxia-pancytopenia syndrome; Monosomy 7 myelodysplasia and leukemia syndrome 1; Spinocerebellar ataxia 49. Last evaluated: 2024-05-14. Review status: criteria provided, single submitter. Criteria: ACMG Guidelines, 2015. Collection method: clinical testing. Allele origin: germline.

GeneDx
Classification: Uncertain significance. Last evaluated: 2024-05-07. Review status: criteria provided, single submitter. Criteria: GeneDx Variant Classification Process June 2021. Collection method: clinical testing. Allele origin: germline. Affected: yes.
Comment: In silico analysis indicates that this missense variant does not alter protein structure/function; Has not been previously published as pathogenic or benign to our knowledge; This variant is associated with the following publications: (PMID: 28166811, 28545555)

Genetic Services Laboratory, University of Chicago
Classification: Uncertain significance. Last evaluated: 2017-10-10. Review status: criteria provided, single submitter. Criteria: ACMG Guidelines, 2015. Collection method: clinical testing. Allele origin: germline. Affected: no.

Department of Pathology and Laboratory Medicine, Sinai Health System
Classification: Likely benign. Review status: no assertion criteria provided. Collection method: clinical testing. Allele origin: unknown. Affected: yes. Study: The Canadian Open Genetics Repository (COGR). Not counted in ClinVar's aggregate classification.
Comment: The SAMD9L p.R843Q variant was not identified in the literature nor was it identified in ClinVar. The variant was identified in dbSNP (ID: rs200160724) and in control databases in 22 of 281510 chromosomes at a frequency of 0.00007815, and was observed at the highest allele count in the European (non-Finnish) population in 13 of 128232 chromosomes (freq: 0.0001014) (Genome Aggregation Database March 6, 2019, v2.1.1). This frequency is greater than expected for the rare, autosomal dominant Ataxia-pancytopenia syndrome associated with SAMD9L variant.Â¬â€ The p.R843 residue is not conserved in mammals and computational analyses (MUT Assesor, PolyPhen-2, SIFT, MutationTaster, Revel, FATHMM, MetaLR, DANN) do not suggest a high likelihood of impact to the protein; however this information is not predictive enough to rule out pathogenicity.Â¬â€ The variant occurs outside of the splicing consensus sequence and in silico or computational prediction software programs (Splice AI exome) do not predict a difference in splicing.Â¬â€ In summary, based on the above information the clinical significance of this variant cannot be determined with certainty at this time although we would lean towards a more benign role for this variant. This variant is classified as likely benign.